The following is an entry in ClinVar:

ClinVar aggregate classification (germline): Uncertain significance (1 of 4 stars; one submission).

Conditions:
RYR1-related disorder. Also called: RYR1-related condition; RYR1-related disorders. Identifiers: MedGen CN239331.

gnomAD v4.1: 4 of 1,607,456 alleles (0.00025%); highest among the groups gnomAD compares: Admixed American, 0.0017%; no homozygotes.

Submission:

Labcorp Genetics (formerly Invitae), Labcorp
Classification: Uncertain significance for RYR1-related disorder. Last evaluated: 2024-07-30. Review status: criteria provided, single submitter. Criteria: Invitae Variant Classification Sherloc (09022015). Collection method: clinical testing. Allele origin: germline.
Comment: This sequence change falls in intron 49 of the RYR1 gene. It does not directly change the encoded amino acid sequence of the RYR1 protein. It affects a nucleotide within the consensus splice site. This variant is present in population databases (rs754545955, gnomAD 0.003%). This variant has not been reported in the literature in individuals affected with RYR1-related conditions. Variants that disrupt the consensus splice site are a relatively common cause of aberrant splicing (PMID: 17576681, 9536098). Algorithms developed to predict the effect of sequence changes on RNA splicing suggest that this variant is not likely to affect RNA splicing. In summary, the available evidence is currently insufficient to determine the role of this variant in disease. Therefore, it has been classified as a Variant of Uncertain Significance.

Literature cited by the submitters: PubMed 17576681; PubMed 9536098.

NM_000540.3(RYR1):c.7926+6G>A

Gene: RYR1 (ryanodine receptor 1; plus strand). Cytogenetic location: 19q13.2.
Variant type: single nucleotide variant.
Coding change: c.7926+6G>A on transcript NM_000540.3 (MANE Select); 6 bases into the intron after coding-DNA position 7926, G replaced by A.
Molecular consequence: intron variant.
Genome position (GRCh38, 1-based): chr19:38,502,976, G>A. VCF-style: chr19-38502976-G-A. GRCh37 (hg19) VCF-style: chr19-38993616-G-A.
Other names: c.7926+6G>A (NM_001042723.2).
Identifiers: ClinVar variation 3703688 (VCV003703688.2).
Genomic context (GRCh38, chr19:38,502,976, plus strand): 5'-CCGCCTGGTGTTCGACGTGCCCATCCTCAACGAGTTCGCCAAGATGCCACTCAAGGTGAG[G>A]GCAAGCGCTCTTTAGCATCTCATTTCCAGGCCGCACCCACTGGTTTGCTCTTCCCTCCTA-3'